The following is an entry in ClinVar:

ClinVar aggregate classification (germline): Uncertain significance. Review status: criteria provided, multiple submitters, no conflicts (2 of 4 stars). 2 submissions from 2 submitters: Uncertain significance (2). Last evaluated 2022-08-03.

Conditions:
H syndrome. Also called: Pigmented hypertrichosis and insulin-dependent diabetes mellitus; Asrar Facharzt Haque syndrome; FAISALABAD HISTIOCYTOSIS; Histiocytosis with joint contractures and sensorineural deafness; Hyperpigmentation, Cutaneous, with Hypertrichosis, Hepatosplenomegaly, Heart Anomalies, Hearing Loss, and Hypogonadism; Histiocytosis-lymphadenopathy plus syndrome. Identifiers: Orphanet 168569, MedGen C1864445, MONDO:0011273, OMIM 602782.
Inborn genetic diseases. Identifiers: MedGen C0950123, MeSH D030342.

Allele frequency attached by ClinVar (database versions not stated): gnomAD exomes 0.00004; ExAC 0.00006; ESP Exome Variant Server 0.00008; gnomAD 0.00008 and 0.00010; TOPMed 0.00010.
gnomAD v4.1: 55 of 1,613,950 alleles (0.0034%); highest among the groups gnomAD compares: African/African-American, 0.023%; no homozygotes.

Submissions (2):

Labcorp Genetics (formerly Invitae), Labcorp
Classification: Uncertain significance for H syndrome. Last evaluated: 2022-08-03. Review status: criteria provided, single submitter. Criteria: Invitae Variant Classification Sherloc (09022015). Collection method: clinical testing. Allele origin: germline.
Comment: This sequence change replaces arginine, which is basic and polar, with histidine, which is basic and polar, at codon 83 of the SLC29A3 protein (p.Arg83His). This variant is present in population databases (rs370566644, gnomAD 0.03%). This variant has not been reported in the literature in individuals affected with SLC29A3-related conditions. ClinVar contains an entry for this variant (Variation ID: 573745). Algorithms developed to predict the effect of missense changes on protein structure and function output the following: SIFT: "Tolerated"; PolyPhen-2: "Benign"; Align-GVGD: "Class C0". The histidine amino acid residue is found in multiple mammalian species, which suggests that this missense change does not adversely affect protein function. In summary, the available evidence is currently insufficient to determine the role of this variant in disease. Therefore, it has been classified as a Variant of Uncertain Significance.

Ambry Genetics
Classification: Uncertain significance for Inborn genetic diseases. Last evaluated: 2022-05-27. Review status: criteria provided, single submitter. Criteria: Ambry Variant Classification Scheme 2023. Collection method: clinical testing. Allele origin: germline.

NM_018344.6(SLC29A3):c.248G>A (p.Arg83His)

Gene: SLC29A3 (solute carrier family 29 member 3; plus strand). Cytogenetic location: 10q22.1.
Variant type: single nucleotide variant.
Coding change: c.248G>A on transcript NM_018344.6 (MANE Select); coding-DNA position 248, G replaced by A.
Protein change: p.Arg83His; replaces arginine 83 with histidine.
Molecular consequence: missense variant. On other transcripts: non-coding transcript variant (2).
Genome position (GRCh38, 1-based): chr10:71,323,002, G>A. VCF-style: chr10-71323002-G-A. GRCh37 (hg19) VCF-style: chr10-73082759-G-A.
Other names: c.248G>A, p.Arg83His (NM_001174098.2); c.14G>A, p.Arg5His (NM_001363518.2); short protein forms R83H, R5H.
Identifiers: ClinVar variation 573745 (VCV000573745.9), dbSNP rs370566644, ClinGen allele CA5542855.